The following is an entry in ClinVar:

NM_001384140.1(PCDH15):c.145G>T (p.Glu49Ter)

Genes: PCDH15 (protocadherin related 15; minus strand), LOC105378311 (uncharacterized LOC105378311; plus strand). Cytogenetic location: 10q21.1.
Variant type: single nucleotide variant.
Coding change: c.145G>T on transcript NM_001384140.1 (MANE Select); coding-DNA position 145, G replaced by T.
Protein change: p.Glu49Ter; replaces glutamic acid 49 with a stop codon.
Molecular consequence: nonsense. On other transcripts: intron variant (3).
Genome position (GRCh38, 1-based): chr10:54,527,824, C>A on the plus strand (G>T on the coding strand, the complement: PCDH15 is on the minus strand). VCF-style: chr10-54527824-C-A. GRCh37 (hg19) VCF-style: chr10-56287584-C-A.
Other names: c.160G>T, p.Glu54Ter (NM_001142763.2, NM_001142769.4, NM_001142771.2); c.145G>T, p.Glu49Ter (NM_001142764.2, NM_001142765.2, NM_001142766.2 and 8 more transcripts); c.91+136348G>T (NM_001354404.2, NM_001142773.2, NM_001142768.2); short protein forms E49*, E54*.
Identifiers: ClinVar variation 554937 (VCV000554937.7), dbSNP rs1168400018, ClinGen allele CA376541403.

ClinVar aggregate classification (germline): Pathogenic. Review status: criteria provided, multiple submitters, no conflicts (2 of 4 stars). 3 submissions from 3 submitters: Pathogenic (2). 1 of the submissions does not count toward it. Last evaluated 2024-02-06.

Conditions:
Autosomal recessive nonsyndromic hearing loss 23. Identifiers: Orphanet 90636, MedGen C1836027, MONDO:0012293, OMIM 609533.
Usher syndrome type 1F (USH1F). Also called: USHER SYNDROME, TYPE IF. Identifiers: Orphanet 231169, Orphanet 886, MedGen C1865885, MONDO:0011186, OMIM 602083.

gnomAD v4.1: 6 of 1,610,332 alleles (0.00037%); highest among the groups gnomAD compares: Non-Finnish European, 0.00051%; no homozygotes.

Submissions (3):

Labcorp Genetics (formerly Invitae), Labcorp
Classification: Pathogenic. Last evaluated: 2024-02-06. Review status: criteria provided, single submitter. Criteria: Invitae Variant Classification Sherloc (09022015). Collection method: clinical testing. Allele origin: germline.
Comment: This sequence change creates a premature translational stop signal (p.Glu49*) in the PCDH15 gene. It is expected to result in an absent or disrupted protein product. Loss-of-function variants in PCDH15 are known to be pathogenic (PMID: 11398101, 11487575, 14570705). This variant is not present in population databases (gnomAD no frequency). This premature translational stop signal has been observed in individual(s) with PCDH15-related conditions (PMID: 26166082). ClinVar contains an entry for this variant (Variation ID: 554937). For these reasons, this variant has been classified as Pathogenic.

Baylor Genetics
Classification: Pathogenic for Autosomal recessive nonsyndromic hearing loss 23. Last evaluated: 2023-11-27. Review status: criteria provided, single submitter. Criteria: ACMG Guidelines, 2015. Collection method: clinical testing. Allele origin: unknown.

Counsyl
Classification: Likely pathogenic for Usher syndrome type 1F. Last evaluated: 2017-11-09. Review status: no assertion criteria provided. Collection method: clinical testing. Allele origin: unknown. Not counted in ClinVar's aggregate classification.

Literature cited by the submitters: PubMed 11398101 (cited by Labcorp Genetics (formerly Invitae), Labcorp); PubMed 11487575 (cited by Labcorp Genetics (formerly Invitae), Labcorp); PubMed 14570705 (cited by Labcorp Genetics (formerly Invitae), Labcorp); PubMed 26166082 (cited by Labcorp Genetics (formerly Invitae), Labcorp and Counsyl).